The following is an entry in ClinVar:

GRCh37/hg19 5q22.2(chr5:112175002-112177352)x1

Gene: APC (APC regulator of Wnt signaling pathway; plus strand). Cytogenetic location: 5q22.2.
Variant type: copy number loss.
Change: copy number 1 (one copy instead of two) of chr5:112,175,002-112,177,352 (2.4 kb, GRCh37 coordinates, 1-based), cytogenetic band 5q22.2.
Identifiers: ClinVar variation 3338452 (VCV003338452.1).

ClinVar aggregate classification (germline): Likely pathogenic (0 of 4 stars; one submission).

Conditions:
Gastric cancer. Also called: Stomach cancer; Malignant tumor of stomach. Identifiers: MedGen C0024623, MeSH D013274, MONDO:0001056, OMIM 613659, HP:0012126.

Submission:

Solve-RD Consortium
Classification: Likely pathogenic for Gastric cancer. Last evaluated: 2024-06-01. Review status: no assertion criteria provided. Collection method: provider interpretation. Allele origin: germline. Affected: yes.
Comment: This CNV was confirmed by the submitting clinician to impact a gene that corresponds with the phenotype of the affected individual, and thus deemed to be causative for their condition.

Literature cited by the submitters: PubMed 39825153.